The following is an entry in ClinVar:

NM_001143820.2(ETS1):c.617A>G (p.Tyr206Cys)

Gene: ETS1 (ETS proto-oncogene 1, transcription factor; minus strand). Cytogenetic location: 11q24.3.
Variant type: single nucleotide variant.
Coding change: c.617A>G on transcript NM_001143820.2 (MANE Select); coding-DNA position 617, A replaced by G.
Protein change: p.Tyr206Cys; replaces tyrosine 206 with cysteine.
Molecular consequence: missense variant. On other transcripts: intron variant (1).
Genome position (GRCh38, 1-based): chr11:128,485,068, T>C on the plus strand (A>G on the coding strand, the complement: ETS1 is on the minus strand). VCF-style: chr11-128485068-T-C. GRCh37 (hg19) VCF-style: chr11-128354963-T-C.
Other names: c.485A>G, p.Tyr162Cys (NM_001330451.2, NM_005238.4); c.83-4617A>G (NM_001162422.2); c.617A>G (NM_001143820.1); short protein forms Y206C, Y162C.
Identifiers: ClinVar variation 218669 (VCV000218669.3), dbSNP rs142279599, ClinGen allele CA249219.

ClinVar aggregate classification (germline): Uncertain significance. Review status: criteria provided, single submitter (1 of 4 stars). 2 submissions from 2 submitters: Uncertain significance (1). 1 of the submissions does not count toward it. Last evaluated 2015-06-11.

Conditions:
ETS1-related disorder. Also called: ETS1-related condition.

Allele frequency attached by ClinVar (database versions not stated): 1000 Genomes Project 0.00140; 1000 Genomes Project 30x 0.00141; TOPMed 0.00190; gnomAD exomes 0.00215 and 0.00324; gnomAD 0.00219 and 0.00224; ESP Exome Variant Server 0.00223; ExAC 0.00229.
gnomAD v4.1: 5,080 of 1,609,420 alleles (0.32%); highest among the groups gnomAD compares: Non-Finnish European, 0.38%; 12 homozygotes.

Submissions (2):

Genomic Diagnostic Laboratory, Division of Genomic Diagnostics, Children's Hospital of Philadelphia
Classification: Uncertain significance. Last evaluated: 2015-06-11. Review status: criteria provided, single submitter. Criteria: DGD Variant Analysis Guidelines. Collection method: clinical testing. Allele origin: unknown.

PreventionGenetics, part of Exact Sciences
Classification: Likely benign for ETS1-related condition. Last evaluated: 2023-03-10. Review status: no assertion criteria provided. Collection method: clinical testing. Allele origin: germline. Not counted in ClinVar's aggregate classification.
Comment: This variant is classified as likely benign based on ACMG/AMP sequence variant interpretation guidelines (Richards et al. 2015 PMID: 25741868, with internal and published modifications).